The following is an entry in ClinVar:

NM_014974.3(DIP2C):c.4120-6T>C

Gene: DIP2C (DIP2 acetate--CoA ligase C (putative); minus strand). Cytogenetic location: 10p15.3.
Variant type: single nucleotide variant.
Coding change: c.4120-6T>C on transcript NM_014974.3 (MANE Select); 6 bases into the intron before coding-DNA position 4120, T replaced by C.
Molecular consequence: intron variant.
Genome position (GRCh38, 1-based): chr10:283,452, A>G on the plus strand (T>C on the coding strand, the complement: DIP2C is on the minus strand). VCF-style: chr10-283452-A-G. GRCh37 (hg19) VCF-style: chr10-329392-A-G.
Identifiers: ClinVar variation 1534256 (VCV001534256.31), dbSNP rs368335581, ClinGen allele CA5379522.

ClinVar aggregate classification (germline): Likely benign. Review status: criteria provided, multiple submitters, no conflicts (2 of 4 stars). 2 submissions from 2 submitters: Likely benign (2). Last evaluated 2025-07-06.

Allele frequency attached by ClinVar (database versions not stated): ESP Exome Variant Server 0.00015; ExAC 0.00017; gnomAD 0.00017 and 0.00019; TOPMed 0.00019; gnomAD exomes 0.00022; 1000 Genomes Project 30x 0.00031; 1000 Genomes Project 0.00040.
gnomAD v4.1: 333 of 1,613,884 alleles (0.021%); highest among the groups gnomAD compares: Admixed American, 0.048%; 1 homozygote.

Submissions (2):

Labcorp Genetics (formerly Invitae), Labcorp
Classification: Likely benign. Last evaluated: 2025-07-06. Review status: criteria provided, single submitter. Criteria: Invitae Variant Classification Sherloc (09022015). Collection method: clinical testing. Allele origin: germline.

CeGaT Center for Human Genetics Tuebingen
Classification: Likely benign. Last evaluated: 2022-12-01. Review status: criteria provided, single submitter. Criteria: CeGaT Center For Human Genetics Tuebingen Variant Classification Criteria Version 2. Collection method: clinical testing. Allele origin: germline. Affected: yes. Observed: 1 variant allele.
Comment: DIP2C: BP4